The following is an entry in ClinVar:

ClinVar aggregate classification (germline): Uncertain significance (1 of 4 stars; one submission).

Conditions:
Hyperphosphatasia with intellectual disability syndrome 5 (GPIBD11). Also called: GLYCOSYLPHOSPHATIDYLINOSITOL BIOSYNTHESIS DEFECT 11. Identifiers: Orphanet 247262, MedGen C4014958, MONDO:0014457, OMIM 616025.

Allele frequency attached by ClinVar (database versions not stated): gnomAD exomes below 0.00001; ExAC 0.00001; gnomAD 0.00001; TOPMed 0.00001.
gnomAD v4.1: 5 of 1,613,836 alleles (0.00031%); highest among the groups gnomAD compares: African/African-American, 0.0027%; no homozygotes.

Submission:

Labcorp Genetics (formerly Invitae), Labcorp
Classification: Uncertain significance for Hyperphosphatasia with intellectual disability syndrome 5. Last evaluated: 2022-10-17. Review status: criteria provided, single submitter. Criteria: Invitae Variant Classification Sherloc (09022015). Collection method: clinical testing. Allele origin: germline.
Comment: ClinVar contains an entry for this variant (Variation ID: 1482798). In summary, the available evidence is currently insufficient to determine the role of this variant in disease. Therefore, it has been classified as a Variant of Uncertain Significance. Advanced modeling of protein sequence and biophysical properties (such as structural, functional, and spatial information, amino acid conservation, physicochemical variation, residue mobility, and thermodynamic stability) performed at Invitae indicates that this missense variant is not expected to disrupt PIGW protein function. This variant has not been reported in the literature in individuals affected with PIGW-related conditions. This variant is present in population databases (rs752621297, gnomAD 0.008%). This sequence change replaces proline, which is neutral and non-polar, with serine, which is neutral and polar, at codon 436 of the PIGW protein (p.Pro436Ser).

NM_001346754.2(PIGW):c.1306C>T (p.Pro436Ser)

Genes: MYO19 (myosin XIX; minus strand), PIGW (phosphatidylinositol glycan anchor biosynthesis class W; plus strand). Cytogenetic location: 17q12.
Variant type: single nucleotide variant.
Coding change: c.1306C>T on transcript NM_001346754.2 (MANE Select); coding-DNA position 1306, C replaced by T.
Protein change: p.Pro436Ser; replaces proline 436 with serine.
Molecular consequence: missense variant.
Genome position (GRCh38, 1-based): chr17:36,538,407, C>T. VCF-style: chr17-36538407-C-T. GRCh37 (hg19) VCF-style: chr17-34894256-C-T.
Other names: c.1306C>T, p.Pro436Ser (NM_001346755.2, NM_178517.5); short protein forms P436S.
Identifiers: ClinVar variation 1482798 (VCV001482798.4), dbSNP rs752621297, ClinGen allele CA290116757.
Genomic context (GRCh38, chr17:36,538,407, plus strand): 5'-TCACCTGTTACAAATAAAAAGCATTCAGAATCTCTAGTCCCTGAAGCCGAAAGAATGGAA[C>T]CCAGTCTTTGTTTAATCACAGCTCTAAACAGAAAACAGTTAATATTTTTCTTGCTGTCAA-3'
Protein context (NP_001333683.1, residues 426-446): SLVPEAERME[Pro436Ser]SLCLITALNR